The following is an entry in ClinVar:

ClinVar aggregate classification (germline): Uncertain significance (1 of 4 stars; one submission).

Conditions:
Nephronophthisis 15 (NPHP15). Identifiers: Orphanet 3156, MedGen C3541853, MONDO:0013917, OMIM 614845.

Submission:

Labcorp Genetics (formerly Invitae), Labcorp
Classification: Uncertain significance for Nephronophthisis 15. Last evaluated: 2022-11-08. Review status: criteria provided, single submitter. Criteria: Invitae Variant Classification Sherloc (09022015). Collection method: clinical testing. Allele origin: germline.
Comment: Advanced modeling of protein sequence and biophysical properties (such as structural, functional, and spatial information, amino acid conservation, physicochemical variation, residue mobility, and thermodynamic stability) has been performed at Invitae for this missense variant, however the output from this modeling did not meet the statistical confidence thresholds required to predict the impact of this variant on CEP164 protein function. In summary, the available evidence is currently insufficient to determine the role of this variant in disease. Therefore, it has been classified as a Variant of Uncertain Significance. This sequence change replaces glutamine, which is neutral and polar, with histidine, which is basic and polar, at codon 1023 of the CEP164 protein (p.Gln1023His). This variant is not present in population databases (gnomAD no frequency). This variant has not been reported in the literature in individuals affected with CEP164-related conditions. ClinVar contains an entry for this variant (Variation ID: 1005089).

NM_014956.5(CEP164):c.3069G>T (p.Gln1023His)

Gene: CEP164 (centrosomal protein 164; plus strand). Cytogenetic location: 11q23.3.
Variant type: single nucleotide variant.
Coding change: c.3069G>T on transcript NM_014956.5 (MANE Select); coding-DNA position 3069, G replaced by T.
Protein change: p.Gln1023His; replaces glutamine 1023 with histidine.
Molecular consequence: missense variant.
Genome position (GRCh38, 1-based): chr11:117,395,702, G>T. VCF-style: chr11-117395702-G-T. GRCh37 (hg19) VCF-style: chr11-117266418-G-T.
Other names: c.3078G>T, p.Gln1026His (NM_001271933.2); short protein forms Q1023H, Q1026H.
Identifiers: ClinVar variation 1005089 (VCV001005089.8), dbSNP rs1281977880, ClinGen allele CA382732397.